The following is an entry in ClinVar:

ClinVar aggregate classification (germline): Pathogenic (1 of 4 stars; one submission).

Conditions:
Holoprosencephaly 13, X-linked. Identifiers: MedGen C5393308, MONDO:0026763, OMIM 301043.

Submission:

Institute of Human Genetics, University of Leipzig Medical Center
Classification: Pathogenic for Holoprosencephaly 13, X-linked. Last evaluated: 2026-02-02. Review status: criteria provided, single submitter. Criteria: ACMG Guidelines, 2015. Collection method: clinical testing. Allele origin: unknown. Inheritance: X-linked dominant inheritance. Affected: yes.
Comment: Criteria applied: PVS1,PM2

NM_001042750.2(STAG2):c.2096+2T>A

Gene: STAG2 (STAG2 cohesin complex component; plus strand). Cytogenetic location: Xq25.
Variant type: single nucleotide variant.
Coding change: c.2096+2T>A on transcript NM_001042750.2 (MANE Select); the canonical splice donor site of the intron after coding-DNA position 2096, T replaced by A.
Molecular consequence: splice donor variant.
Genome position (GRCh38, 1-based): chrX:124,065,948, T>A. VCF-style: chrX-124065948-T-A. GRCh37 (hg19) VCF-style: chrX-123199798-T-A.
Other names: c.2096+2T>A (NM_001042749.2, NM_001441077.1, NM_001375366.1 and 23 more transcripts).
Identifiers: ClinVar variation 4819118 (VCV004819118.1).